The following is an entry in ClinVar:

ClinVar aggregate classification (germline): Uncertain significance (1 of 4 stars; one submission).

Allele frequency attached by ClinVar (database versions not stated): gnomAD exomes below 0.00001.
gnomAD v4.1: 2 of 1,611,758 alleles (0.00012%); highest among the groups gnomAD compares: Non-Finnish European, 0.00017%; no homozygotes.

Submission:

Labcorp Genetics (formerly Invitae), Labcorp
Classification: Uncertain significance. Last evaluated: 2023-11-27. Review status: criteria provided, single submitter. Criteria: Invitae Variant Classification Sherloc (09022015). Collection method: clinical testing. Allele origin: germline.
Comment: This sequence change replaces alanine, which is neutral and non-polar, with glycine, which is neutral and non-polar, at codon 722 of the NEFH protein (p.Ala722Gly). This variant is not present in population databases (gnomAD no frequency). This variant has not been reported in the literature in individuals affected with NEFH-related conditions. Advanced modeling of protein sequence and biophysical properties (such as structural, functional, and spatial information, amino acid conservation, physicochemical variation, residue mobility, and thermodynamic stability) performed at Invitae indicates that this missense variant is not expected to disrupt NEFH protein function with a negative predictive value of 95%. In summary, the available evidence is currently insufficient to determine the role of this variant in disease. Therefore, it has been classified as a Variant of Uncertain Significance.

NM_021076.4(NEFH):c.2165C>G (p.Ala722Gly)

Gene: NEFH (neurofilament heavy chain; plus strand). Cytogenetic location: 22q12.2.
Variant type: single nucleotide variant.
Coding change: c.2165C>G on transcript NM_021076.4 (MANE Select); coding-DNA position 2165, C replaced by G.
Protein change: p.Ala722Gly; replaces alanine 722 with glycine.
Molecular consequence: missense variant.
Genome position (GRCh38, 1-based): chr22:29,489,805, C>G. VCF-style: chr22-29489805-C-G. GRCh37 (hg19) VCF-style: chr22-29885794-C-G.
Other names: short protein forms A722G.
Identifiers: ClinVar variation 2800712 (VCV002800712.3), dbSNP rs2517978499, ClinGen allele CA411136239.